The following is an entry in ClinVar:

NM_000929.3(PLA2G5):c.260A>G (p.Lys87Arg)

Gene: PLA2G5 (phospholipase A2 group V; plus strand). Cytogenetic location: 1p36.13.
Variant type: single nucleotide variant.
Coding change: c.260A>G on transcript NM_000929.3 (MANE Select); coding-DNA position 260, A replaced by G.
Protein change: p.Lys87Arg; replaces lysine 87 with arginine.
Molecular consequence: missense variant.
Genome position (GRCh38, 1-based): chr1:20,089,863, A>G. VCF-style: chr1-20089863-A-G. GRCh37 (hg19) VCF-style: chr1-20416356-A-G.
Other names: short protein forms K87R.
Identifiers: ClinVar variation 4808909 (VCV004808909.1).

ClinVar aggregate classification (germline): Uncertain significance (1 of 4 stars; one submission).

Submission:

Labcorp Genetics (formerly Invitae), Labcorp
Classification: Uncertain significance. Last evaluated: 2025-03-13. Review status: criteria provided, single submitter. Criteria: Invitae Variant Classification Sherloc (09022015). Collection method: clinical testing. Allele origin: germline.
Comment: This sequence change replaces lysine, which is basic and polar, with arginine, which is basic and polar, at codon 87 of the PLA2G5 protein (p.Lys87Arg). This variant is not present in population databases (gnomAD no frequency). This variant has not been reported in the literature in individuals affected with PLA2G5-related conditions. An algorithm developed to predict the effect of missense changes on protein structure and function outputs the following: PolyPhen-2: "Benign". The arginine amino acid residue is found in multiple mammalian species, which suggests that this missense change does not adversely affect protein function. In summary, the available evidence is currently insufficient to determine the role of this variant in disease. Therefore, it has been classified as a Variant of Uncertain Significance.